The following is an entry in ClinVar:

ClinVar aggregate classification (germline): Uncertain significance (1 of 4 stars; one submission).

Conditions:
Congenital myotonia, autosomal recessive form. Also called: BECKER DISEASE; Becker Generalized Myotonia; myotonia congenita, autosomal recessive. Identifiers: Orphanet 614, MedGen C0751360, MONDO:0009715, OMIM 255700.
Congenital myotonia, autosomal dominant form (THD). Also called: THOMSEN DISEASE; Myotonia congenita autosomal dominant. Identifiers: Orphanet 614, MedGen C2936781, MONDO:0008055, OMIM 160800.

Allele frequency attached by ClinVar (database versions not stated): TOPMed 0.00001.

Submission:

Labcorp Genetics (formerly Invitae), Labcorp
Classification: Uncertain significance for Congenital myotonia, autosomal recessive form; Congenital myotonia, autosomal dominant form. Last evaluated: 2022-07-19. Review status: criteria provided, single submitter. Criteria: Invitae Variant Classification Sherloc (09022015). Collection method: clinical testing. Allele origin: germline.
Comment: This sequence change replaces leucine, which is neutral and non-polar, with histidine, which is basic and polar, at codon 173 of the CLCN1 protein (p.Leu173His). This variant is not present in population databases (gnomAD no frequency). This variant has not been reported in the literature in individuals affected with CLCN1-related conditions. Advanced modeling of protein sequence and biophysical properties (such as structural, functional, and spatial information, amino acid conservation, physicochemical variation, residue mobility, and thermodynamic stability) performed at Invitae indicates that this missense variant is expected to disrupt CLCN1 protein function. In summary, the available evidence is currently insufficient to determine the role of this variant in disease. Therefore, it has been classified as a Variant of Uncertain Significance.

NM_000083.3(CLCN1):c.518T>A (p.Leu173His)

Gene: CLCN1 (chloride voltage-gated channel 1; plus strand). Cytogenetic location: 7q34.
Variant type: single nucleotide variant.
Coding change: c.518T>A on transcript NM_000083.3 (MANE Select); coding-DNA position 518, T replaced by A.
Protein change: p.Leu173His; replaces leucine 173 with histidine.
Molecular consequence: missense variant. On other transcripts: non-coding transcript variant (1).
Genome position (GRCh38, 1-based): chr7:143,321,449, T>A. VCF-style: chr7-143321449-T-A. GRCh37 (hg19) VCF-style: chr7-143018542-T-A.
Other names: short protein forms L173H.
Identifiers: ClinVar variation 1962941 (VCV001962941.2), dbSNP rs1267273520, ClinGen allele CA369683828.